The following is an entry in ClinVar:

NM_001008212.2(OPTN):c.1212G>A (p.Leu404=)

Gene: OPTN (optineurin; plus strand). Cytogenetic location: 10p13.
Variant type: single nucleotide variant.
Coding change: c.1212G>A on transcript NM_001008212.2 (MANE Select); coding-DNA position 1212, G replaced by A.
Protein change: p.Leu404=; no amino-acid change (leucine 404 retained).
Molecular consequence: synonymous variant.
Genome position (GRCh38, 1-based): chr10:13,126,009, G>A. VCF-style: chr10-13126009-G-A. GRCh37 (hg19) VCF-style: chr10-13168009-G-A.
Other names: c.1212G>A, p.Leu404= (NM_001008211.1, NM_001008213.1, NM_021980.4).
Identifiers: ClinVar variation 2442683 (VCV002442683.1), dbSNP rs1324288414, ClinGen allele CA468240673.

ClinVar aggregate classification (germline): Uncertain significance (1 of 4 stars; one submission).

Submission:

GeneDx
Classification: Uncertain significance. Last evaluated: 2022-09-01. Review status: criteria provided, single submitter. Criteria: GeneDx Variant Classification Process June 2021. Collection method: clinical testing. Allele origin: germline. Affected: yes.
Comment: Not observed at significant frequency in large population cohorts (gnomAD); In silico analysis supports that this variant does not alter splicing; Has not been previously published as pathogenic or benign to our knowledge